The following is an entry in ClinVar:

NM_022834.5(VWA1):c.923_929del (p.Pro308fs)

Gene: VWA1 (von Willebrand factor A domain containing 1; plus strand). Cytogenetic location: 1p36.33.
Variant type: Deletion.
Coding change: c.923_929del on transcript NM_022834.5 (MANE Select); coding-DNA positions 923 to 929, 7 bases deleted (CGGGGGC; older notation c.923_929delCGGGGGC).
Protein change: p.Pro308fs; shifts the reading frame from proline 308.
Molecular consequence: frameshift variant. On other transcripts: 3 prime UTR variant (1).
Genome position (GRCh38, 1-based): chr1:1,439,372-1,439,378, CGGGGGC deleted; deleting any 7 consecutive bases within chr1:1,439,368-1,439,378 gives the same sequence; the c. name uses the placement nearest the transcript's 3' end. VCF-style (leftmost placement, unchanged base first): chr1-1439367-AGGGCCGG-A. GRCh37 (hg19) VCF-style: chr1-1374747-AGGGCCGG-A.
Other names: c.*333_*339del (NM_199121.3); short protein forms P308fs.
Identifiers: ClinVar variation 4854666 (VCV004854666.1).
Genomic context (GRCh38, chr1:1,439,367, plus strand): 5'-GTCCAACGTGCGCCTCCTGAGGCCCCAGATCCTGCGGGTGCGCACGCGGCCCGGTGAGGC[AGGGCCGG>A]GGGCTTCGGGCCCGGAGTCGGGGGCTGGGCCGGCCCCCACGCAGCTCGCCGCCCTCCCCG-3'

ClinVar aggregate classification (germline): Likely pathogenic (1 of 4 stars; one submission).

Conditions:
Neuronopathy, distal hereditary motor, autosomal recessive 7. Also called: NEUROPATHY, HEREDITARY MOTOR, WITH MYOPATHIC FEATURES; NEUROPATHY, DISTAL HEREDITARY MOTOR, AUTOSOMAL RECESSIVE 7. Identifiers: MedGen C5543119, MONDO:0030977, OMIM 619216.

Submission:

3billion
Classification: Likely pathogenic for Neuronopathy, distal hereditary motor, autosomal recessive 7. Last evaluated: 2025-12-22. Review status: criteria provided, single submitter. Criteria: ACMG Guidelines, 2015. Collection method: clinical testing. Allele origin: germline. Affected: yes.
Comment: The variant is observed at an extremely low frequency in the gnomAD v4.1.0 dataset (total allele frequency: <0.001%). Predicted Consequence/Location: Frameshift: predicted to result in a loss or disruption of normal protein function through protein truncation. The predicted truncated protein may be shortened by more than 10%. Therefore, this variant is classified as Likely pathogenic according to the recommendation of ACMG/AMP guideline.